The following is an entry in ClinVar:

ClinVar aggregate classification (germline): Pathogenic/Likely pathogenic. Review status: criteria provided, multiple submitters, no conflicts (2 of 4 stars). 2 submissions from 2 submitters: Pathogenic (1); Likely pathogenic (1). Last evaluated 2026-05-13.

Conditions:
Hereditary breast ovarian cancer syndrome. Also called: Breast and ovarian cancer; Hereditary breast and ovarian cancer syndrome; Hereditary breast and/or ovarian cancer syndrome; Hereditary breast and ovarian cancer; BRCA1- and BRCA2-Associated Hereditary Breast and Ovarian Cancer; Hereditary breast and ovarian cancer syndrome (HBOC). Identifiers: Orphanet 145, MedGen C0677776, MeSH D061325, MONDO:0003582. Disease mechanism: loss of function.
Inherited breast cancer and ovarian cancer.

Submissions (2):

Genetics Laboratory, Great Ormond Street Hospital NHS Foundation Trust, North Thames Genomic Laboratory Hub
Classification: Pathogenic for Inherited breast cancer and ovarian cancer. Last evaluated: 2026-05-13. Review status: criteria provided, single submitter. Criteria: CanVIG BRCA Gene Specific V1.22. Collection method: clinical testing. Allele origin: germline. Affected: yes.
Comment: PM2_moderate, PVS1_very-strong

Laboratory for Molecular Medicine, Mass General Brigham Personalized Medicine
Classification: Likely pathogenic for Hereditary breast ovarian cancer syndrome. Last evaluated: 2019-10-14. Review status: criteria provided, single submitter. Criteria: ACMG Guidelines, 2015. Collection method: clinical testing. Allele origin: germline.
Comment: The p.Ile2296LysfsX2 variant in BRCA2 has not been previously reported in individuals with hereditary breast and/or ovarian cancer (HBOC) and was absent from large population studies. This variant is predicted to cause a frameshift, which alters the protein’s amino acid sequence beginning at position 2296 and leads to a premature termination codon 2 amino acids downstream. This alteration is then predicted to lead to a truncated or absent protein. Loss of function of the BRCA2 gene is an established disease mechanism in autosomal dominant HBOC. In summary, although additional studies are required to fully establish its clinical significance, this variant meets criteria to be classified as likely pathogenic for autosomal dominant HBOC. ACMG/AMP Criteria applied: PVS1, PM2.

NM_000059.4(BRCA2):c.6887del (p.Ile2296fs)

Gene: BRCA2 (BRCA2 DNA repair associated; plus strand). Cytogenetic location: 13q13.1.
Variant type: Deletion.
Coding change: c.6887del on transcript NM_000059.4 (MANE Select); coding-DNA position 6887, one base deleted (T; older notation c.6887delT).
Protein change: p.Ile2296fs; shifts the reading frame from isoleucine 2296.
Molecular consequence: frameshift variant. On other transcripts: non-coding transcript variant (1), intron variant (1).
Genome position (GRCh38, 1-based): chr13:32,344,603, T deleted. VCF-style (leftmost placement, unchanged base first): chr13-32344602-AT-A. GRCh37 (hg19) VCF-style: chr13-32918739-AT-A.
Other names: c.6887del, p.Ile2296fs (NM_001406720.1); c.1955del, p.Ile652fs (NM_001406721.1); c.470del, p.Ile157fs (NM_001406722.1); c.6842-2224del (NM_001406719.1); short protein forms I157fs, I2296fs, I652fs.
Identifiers: ClinVar variation 3075788 (VCV003075788.2), dbSNP rs2548536017, ClinGen allele CA2622600829.